The following is an entry in ClinVar:

ClinVar aggregate classification (germline): Uncertain significance (1 of 4 stars; one submission).

Submission:

Women's Health and Genetics/Laboratory Corporation of America, LabCorp
Classification: Uncertain significance. Last evaluated: 2026-01-28. Review status: criteria provided, single submitter. Criteria: LabCorp Variant Classification Summary - May 2015. Collection method: clinical testing. Allele origin: germline.
Comment: Variant summary: SLC35A1 c.751+1_751+2delGT is located in a canonical splice-site and is predicted to affect mRNA splicing resulting in a significantly altered protein due to either exon skipping, shortening, or inclusion of intronic material. Variants that disrupt the consensus splice site are a relatively common cause of aberrant splicing, however current evidence is not sufficient to establish loss of function as a mechanism for disease. Several computational tools predict a significant impact on normal splicing: Four predict the variant abolishes a 5' splicing donor site. However, these predictions have yet to be confirmed by functional studies. The frequency data for this variant in gnomAD is considered unreliable, as metrics indicate poor data quality at this position. To our knowledge, no occurrence of c.751+1_751+2delGT in individuals affected with SLC35A1-related conditions and no experimental evidence demonstrating its impact on protein function have been reported. No submitters have cited clinical-significance assessments for this variant to ClinVar. Based on the evidence outlined above, the variant was classified as uncertain significance.

NM_006416.5(SLC35A1):c.751+1_751+2del

Gene: SLC35A1 (solute carrier family 35 member A1; plus strand). Cytogenetic location: 6q15.
Variant type: Deletion.
Coding change: c.751+1_751+2del on transcript NM_006416.5 (MANE Select); the canonical splice donor site of the intron after coding-DNA position 751, 2 bases deleted (GT; older notation c.751+1_751+2delGT).
Molecular consequence: splice donor variant. On other transcripts: intron variant (1).
Genome position (GRCh38, 1-based): chr6:87,508,597-87,508,598, GT deleted; deleting any 2 consecutive bases within chr6:87,508,596-87,508,598 gives the same sequence; the c. name uses the placement nearest the transcript's 3' end. VCF-style (leftmost placement, unchanged base first): chr6-87508595-CTG-C. GRCh37 (hg19) VCF-style: chr6-88218313-CTG-C.
Other names: c.575-444_575-443del (NM_001168398.2); c.751+1_751+2delGT (NM_006416.5).
Identifiers: ClinVar variation 4689156 (VCV004689156.1).